The following is an entry in ClinVar:

ClinVar aggregate classification (germline): Uncertain significance (1 of 4 stars; one submission).

Allele frequency attached by ClinVar (database versions not stated): gnomAD exomes below 0.00001; ExAC 0.00001.
gnomAD v4.1: 1 of 1,610,328 alleles (0.000062%); highest among the groups gnomAD compares: Non-Finnish European, 0.000085%; no homozygotes.

Submission:

Labcorp Genetics (formerly Invitae), Labcorp
Classification: Uncertain significance. Last evaluated: 2022-06-29. Review status: criteria provided, single submitter. Criteria: Invitae Variant Classification Sherloc (09022015). Collection method: clinical testing. Allele origin: germline.
Comment: This sequence change replaces glutamic acid, which is acidic and polar, with lysine, which is basic and polar, at codon 19 of the PIK3C2A protein (p.Glu19Lys). This variant is present in population databases (rs748049814, gnomAD 0.0009%). This variant has not been reported in the literature in individuals affected with PIK3C2A-related conditions. Algorithms developed to predict the effect of missense changes on protein structure and function are either unavailable or do not agree on the potential impact of this missense change (SIFT: "Not Available"; PolyPhen-2: "Benign"; Align-GVGD: "Not Available"). In summary, the available evidence is currently insufficient to determine the role of this variant in disease. Therefore, it has been classified as a Variant of Uncertain Significance.

NM_002645.4(PIK3C2A):c.55G>A (p.Glu19Lys)

Gene: PIK3C2A (phosphatidylinositol-4-phosphate 3-kinase catalytic subunit type 2 alpha; minus strand). Cytogenetic location: 11p15.1.
Variant type: single nucleotide variant.
Coding change: c.55G>A on transcript NM_002645.4 (MANE Select); coding-DNA position 55, G replaced by A.
Protein change: p.Glu19Lys; replaces glutamic acid 19 with lysine.
Molecular consequence: missense variant. On other transcripts: intron variant (1).
Genome position (GRCh38, 1-based): chr11:17,169,687, C>T on the plus strand (G>A on the coding strand, the complement: PIK3C2A is on the minus strand). VCF-style: chr11-17169687-C-T. GRCh37 (hg19) VCF-style: chr11-17191234-C-T.
Other names: c.55G>A, p.Glu19Lys (NM_001321378.2, NM_001386870.1); c.-75-14058G>A (NM_001321380.2); short protein forms E19K.
Identifiers: ClinVar variation 1911511 (VCV001911511.5), dbSNP rs748049814, ClinGen allele CA5901633.